The following is an entry in ClinVar:

ClinVar aggregate classification (germline): Likely benign (0 of 4 stars; one submission).

Conditions:
COL4A2-related disorder. Also called: COL4A2-related disorders; COL4A2-related condition.

gnomAD v4.1: 2 of 1,611,418 alleles (0.00012%); highest among the groups gnomAD compares: Admixed American, 0.0017%; no homozygotes.

Submission:

PreventionGenetics, part of Exact Sciences
Classification: Likely benign for COL4A2-related condition. Last evaluated: 2024-04-12. Review status: no assertion criteria provided. Collection method: clinical testing. Allele origin: germline.
Comment: This variant is classified as likely benign based on ACMG/AMP sequence variant interpretation guidelines (Richards et al. 2015 PMID: 25741868, with internal and published modifications).

NM_001846.4(COL4A2):c.210G>T (p.Gly70=)

Gene: COL4A2 (collagen type IV alpha 2 chain; plus strand). Cytogenetic location: 13q34.
Variant type: single nucleotide variant.
Coding change: c.210G>T on transcript NM_001846.4 (MANE Select); coding-DNA position 210, G replaced by T.
Protein change: p.Gly70=; no amino-acid change (glycine 70 retained).
Molecular consequence: synonymous variant.
Genome position (GRCh38, 1-based): chr13:110,424,763, G>T. VCF-style: chr13-110424763-G-T. GRCh37 (hg19) VCF-style: chr13-111077110-G-T.
Identifiers: ClinVar variation 3354665 (VCV003354665.1).